The following is an entry in ClinVar:

ClinVar aggregate classification (germline): Likely benign (1 of 4 stars; one submission).

Submission:

CeGaT Center for Human Genetics Tuebingen
Classification: Likely benign. Last evaluated: 2026-07-01. Review status: criteria provided, single submitter. Criteria: CeGaT Center For Human Genetics Tuebingen Variant Classification Criteria Version 2. Collection method: clinical testing. Allele origin: germline. Affected: yes. Observed: 1 variant allele.
Comment: CEBPE: PM2:Supporting, BP4, BP7

NM_001805.4(CEBPE):c.330A>T (p.Pro110=)

Gene: CEBPE (CCAAT enhancer binding protein epsilon; minus strand). Cytogenetic location: 14q11.2.
Variant type: single nucleotide variant.
Coding change: c.330A>T on transcript NM_001805.4 (MANE Select); coding-DNA position 330, A replaced by T.
Protein change: p.Pro110=; no amino-acid change (proline 110 retained).
Molecular consequence: synonymous variant.
Genome position (GRCh38, 1-based): chr14:23,118,762, T>A on the plus strand (A>T on the coding strand, the complement: CEBPE is on the minus strand). VCF-style: chr14-23118762-T-A. GRCh37 (hg19) VCF-style: chr14-23587971-T-A.
Identifiers: ClinVar variation 5039638 (VCV005039638.1).